The following is an entry in ClinVar:

ClinVar aggregate classification (germline): Likely pathogenic (1 of 4 stars; one submission).

Conditions:
Primary dilated cardiomyopathy (DCM). Also called: Dilated Cardiomyopathy. Identifiers: Orphanet 217604, MedGen C0007193, MeSH D002311, MONDO:0005021, HP:0001644. Inheritance: Various modes of inheritance.

Submission:

Laboratory for Molecular Medicine, Mass General Brigham Personalized Medicine
Classification: Likely pathogenic for Primary dilated cardiomyopathy. Last evaluated: 2013-06-07. Review status: criteria provided, single submitter. Criteria: LMM Criteria. Collection method: clinical testing. Allele origin: germline. Inheritance: Autosomal dominant inheritance. Observed: 3 variant alleles.
Comment: This variant is predicted to alter the protein?s ami no acid sequence beginning at position 8918 and lead to a premature termination codon 3 amino acids downstream. This alteration is then predicted to lead to a t runcated or absent protein. Similar truncating and splice variant in TTN are str ongly associated with DCM and the majority occur in the A-band (Herman 2012, LMM unpublished data), while this variant occurs in the I-band. In summary, this va riant is likely pathogenic, though additional studies are required to fully esta blish its clinical significance.

Literature cited by the submitters: PubMed 22335739; PubMed 17444505; PubMed 18948003; PubMed 12145747; PubMed 15802564.

NM_001267550.2(TTN):c.30484_30493del (p.Thr10162fs)

Gene: TTN (titin; minus strand). Cytogenetic location: 2q31.2.
Variant type: Deletion.
Coding change: c.30484_30493del on transcript NM_001267550.2 (MANE Select); coding-DNA positions 30484 to 30493, 10 bases deleted (ACGGCAGAGC; older notation c.30484_30493delACGGCAGAGC).
Protein change: p.Thr10162fs; shifts the reading frame from threonine 10162.
Molecular consequence: frameshift variant. On other transcripts: intron variant (3).
Genome position (GRCh38, 1-based): chr2:178,702,186-178,702,195, GCTCTGCCGT deleted on the plus strand (ACGGCAGAGC on the coding strand, the reverse complement: TTN is on the minus strand); deleting any 10 consecutive bases within chr2:178,702,186-178,702,198 gives the same sequence; the c. name uses the placement nearest the transcript's 3' end. VCF-style (leftmost placement, unchanged base first): chr2-178702185-AGCTCTGCCGT-A. GRCh37 (hg19) VCF-style: chr2-179566912-AGCTCTGCCGT-A.
Other names: c.26752_26761delACGGCAGAGC (NM_133378.4); c.29533_29542del, p.Thr9845fs (NM_001256850.1); c.26752_26761del, p.Thr8918fs (NM_133378.4); c.13282+35887_13282+35896del (NM_003319.4); c.13858+35887_13858+35896del (NM_133437.4); c.13657+35887_13657+35896del (NM_133432.3); short protein forms T10162fs, T8918fs, T9845fs.
Identifiers: ClinVar variation 178672 (VCV000178672.5), dbSNP rs727504452, ClinGen allele CA273551.